The following is an entry in ClinVar:

ClinVar aggregate classification (germline): Conflicting classifications of pathogenicity. Review status: criteria provided, conflicting classifications (1 of 4 stars). 3 submissions from 3 submitters: Uncertain significance (2); Likely benign (1). Last evaluated 2024-04-20.

Conditions:
Hereditary cancer-predisposing syndrome. Also called: Neoplastic Syndromes, Hereditary; Hereditary Cancer Syndrome; Tumor predisposition; Hereditary neoplastic syndrome. Identifiers: Orphanet 140162, MedGen C0027672, MeSH D009386, MONDO:0015356.
Hereditary breast ovarian cancer syndrome. Also called: BRCA1- and BRCA2-Associated Hereditary Breast and Ovarian Cancer; Hereditary breast and ovarian cancer; Hereditary breast and ovarian cancer syndrome; Hereditary breast and/or ovarian cancer syndrome; Hereditary breast and ovarian cancer syndrome (HBOC); Breast and ovarian cancer. Identifiers: Orphanet 145, MedGen C0677776, MeSH D061325, MONDO:0003582. Disease mechanism: loss of function.

Submissions (3):

Ambry Genetics
Classification: Uncertain significance for Hereditary cancer-predisposing syndrome. Last evaluated: 2024-04-20. Review status: criteria provided, single submitter. Criteria: Ambry Variant Classification Scheme 2023. Collection method: clinical testing. Allele origin: germline.
Comment: The p.D1902G variant (also known as c.5705A>G), located in coding exon 10 of the BRCA2 gene, results from an A to G substitution at nucleotide position 5705. The aspartic acid at codon 1902 is replaced by glycine, an amino acid with similar properties. This amino acid position is not well conserved in available vertebrate species. In addition, the in silico prediction for this alteration is inconclusive. Based on the available evidence, the clinical significance of this variant remains unclear.

University of Washington Department of Laboratory Medicine, University of Washington
Classification: Likely benign for Hereditary cancer-predisposing syndrome. Last evaluated: 2023-03-23. Review status: criteria provided, single submitter. Criteria: Dines et al. (Genet Med. 2020). Collection method: curation. Allele origin: germline.
Comment: Missense variant in a coldspot region where missense variants are very unlikely to be pathogenic (PMID:31911673).

BRCA2 exon 11 coldspot. Reclassification based on statistical prior probability.

Labcorp Genetics (formerly Invitae), Labcorp
Classification: Uncertain significance for Hereditary breast ovarian cancer syndrome. Last evaluated: 2019-11-02. Review status: criteria provided, single submitter. Criteria: Invitae Variant Classification Sherloc (09022015). Collection method: clinical testing. Allele origin: germline.
Comment: Algorithms developed to predict the effect of sequence changes on RNA splicing suggest that this variant may create or strengthen a splice site, but this prediction has not been confirmed by published transcriptional studies. In summary, the available evidence is currently insufficient to determine the role of this variant in disease. Therefore, it has been classified as a Variant of Uncertain Significance. Algorithms developed to predict the effect of missense changes on protein structure and function output the following: SIFT: "Deleterious"; PolyPhen-2: "Benign"; Align-GVGD: "Class C0". The glycine amino acid residue is found in multiple mammalian species, suggesting that this missense change does not adversely affect protein function. These predictions have not been confirmed by published functional studies and their clinical significance is uncertain. This variant has not been reported in the literature in individuals with BRCA2-related conditions. This variant is not present in population databases (ExAC no frequency). This sequence change replaces aspartic acid with glycine at codon 1902 of the BRCA2 protein (p.Asp1902Gly). The aspartic acid residue is weakly conserved and there is a moderate physicochemical difference between aspartic acid and glycine.

NM_000059.4(BRCA2):c.5705A>G (p.Asp1902Gly)

Gene: BRCA2 (BRCA2 DNA repair associated; plus strand). Cytogenetic location: 13q13.1.
Variant type: single nucleotide variant.
Coding change: c.5705A>G on transcript NM_000059.4 (MANE Select); coding-DNA position 5705, A replaced by G.
Protein change: p.Asp1902Gly; replaces aspartic acid 1902 with glycine.
Molecular consequence: missense variant.
Genome position (GRCh38, 1-based): chr13:32,340,060, A>G. VCF-style: chr13-32340060-A-G. GRCh37 (hg19) VCF-style: chr13-32914197-A-G.
Other names: short protein forms D1902G.
Identifiers: ClinVar variation 970340 (VCV000970340.12), dbSNP rs2072536350, ClinGen allele CA387786746.